The following is an entry in ClinVar:

NM_025114.4(CEP290):c.3797C>T (p.Thr1266Ile)

Gene: CEP290 (centrosomal protein 290; minus strand). Cytogenetic location: 12q21.32.
Variant type: single nucleotide variant.
Coding change: c.3797C>T on transcript NM_025114.4 (MANE Select); coding-DNA position 3797, C replaced by T.
Protein change: p.Thr1266Ile; replaces threonine 1266 with isoleucine.
Molecular consequence: missense variant.
Genome position (GRCh38, 1-based): chr12:88,089,264, G>A on the plus strand (C>T on the coding strand, the complement: CEP290 is on the minus strand). VCF-style: chr12-88089264-G-A. GRCh37 (hg19) VCF-style: chr12-88483041-G-A.
Other names: short protein forms T1266I.
Identifiers: ClinVar variation 4980961 (VCV004980961.1).

ClinVar aggregate classification (germline): Uncertain significance (1 of 4 stars; one submission).

Conditions:
CEP290-related disorder. Also called: CEP290-related condition; CEP290-related disorders. Identifiers: MedGen CN239314.

Submission:

PreventionGenetics, part of Exact Sciences
Classification: Uncertain significance for CEP290-related condition. Last evaluated: 2026-01-13. Review status: criteria provided, single submitter. Criteria: ACMG Guidelines, 2015. Collection method: clinical testing. Allele origin: germline.
Comment: The CEP290 c.3797C>T variant is predicted to result in the amino acid substitution p.Thr1266Ile. To our knowledge, this variant has not been reported in the literature or in a large population database (gnomAD), indicating this variant is rare. At this time, the clinical significance of this variant is uncertain due to the absence of conclusive functional and genetic evidence.